The following is an entry in ClinVar:

ClinVar aggregate classification (germline): Pathogenic (1 of 4 stars; one submission).

Submission:

Labcorp Genetics (formerly Invitae), Labcorp
Classification: Pathogenic. Last evaluated: 2022-08-06. Review status: criteria provided, single submitter. Criteria: Invitae Variant Classification Sherloc (09022015). Collection method: clinical testing. Allele origin: germline.
Comment: For these reasons, this variant has been classified as Pathogenic. A similar copy number variant has been observed in individual(s) with retinitis pigmentosa (PMID: 27208209). This variant is a gross deletion of the genomic region encompassing exon(s) 29 of the EYS gene. This deletion is out-of-frame, and is expected to create a premature termination codon and result in an absent or disrupted protein product. Loss-of-function variants in EYS are known to be pathogenic (PMID: 18836446, 20333770).

Literature cited by the submitters: PubMed 27208209; PubMed 18836446; PubMed 20333770.

NC_000006.11:g.(?_65098563)_(65098753_?)del

Gene: EYS (eyes shut homolog; minus strand). Cytogenetic location: 6q12.
Variant type: Deletion.
Identifiers: ClinVar variation 2423831 (VCV002423831.4).